The following is an entry in ClinVar:

ClinVar aggregate classification (germline): Uncertain significance. Review status: criteria provided, multiple submitters, no conflicts (2 of 4 stars). 3 submissions from 3 submitters: Uncertain significance (3). Last evaluated 2023-03-28.

Conditions:
Dilated cardiomyopathy 1DD (CMD1DD). Identifiers: Orphanet 154, MedGen C2750995, MONDO:0013168, OMIM 613172.

Submissions (3):

Blueprint Genetics
Classification: Uncertain significance. Last evaluated: 2023-03-28. Review status: criteria provided, single submitter. Criteria: ACMG Guidelines, 2015. Collection method: clinical testing. Allele origin: germline.

Labcorp Genetics (formerly Invitae), Labcorp
Classification: Uncertain significance for Dilated cardiomyopathy 1DD. Last evaluated: 2021-08-07. Review status: criteria provided, single submitter. Criteria: Invitae Variant Classification Sherloc (09022015). Collection method: clinical testing. Allele origin: germline.
Comment: This sequence change replaces glutamic acid with lysine at codon 917 of the RBM20 protein (p.Glu917Lys). The glutamic acid residue is highly conserved and there is a small physicochemical difference between glutamic acid and lysine. In summary, the available evidence is currently insufficient to determine the role of this variant in disease. Therefore, it has been classified as a Variant of Uncertain Significance. Advanced modeling of protein sequence and biophysical properties (such as structural, functional, and spatial information, amino acid conservation, physicochemical variation, residue mobility, and thermodynamic stability) performed at Invitae indicates that this missense variant is not expected to disrupt RBM20 protein function. This variant has not been reported in the literature in individuals affected with RBM20-related conditions. This variant is not present in population databases (ExAC no frequency).

GeneDx
Classification: Uncertain significance. Last evaluated: 2019-04-09. Review status: criteria provided, single submitter. Criteria: GeneDx Variant Classification Process June 2021. Collection method: clinical testing. Allele origin: germline. Affected: yes.
Comment: Not observed in large population cohorts (Lek et al., 2016); In silico analysis, which includes protein predictors and evolutionary conservation, supports that this variant does not alter protein structure/function; Has not been previously published as pathogenic or benign to our knowledge

NM_001134363.3(RBM20):c.2749G>A (p.Glu917Lys)

Gene: RBM20 (RNA binding motif protein 20; plus strand). Cytogenetic location: 10q25.2.
Variant type: single nucleotide variant.
Coding change: c.2749G>A on transcript NM_001134363.3 (MANE Select); coding-DNA position 2749, G replaced by A.
Protein change: p.Glu917Lys; replaces glutamic acid 917 with lysine.
Molecular consequence: missense variant.
Genome position (GRCh38, 1-based): chr10:110,821,368, G>A. VCF-style: chr10-110821368-G-A. GRCh37 (hg19) VCF-style: chr10-112581126-G-A.
Other names: short protein forms E917K.
Identifiers: ClinVar variation 1198053 (VCV001198053.9), dbSNP rs1844907124, ClinGen allele CA378377451.
Genomic context (GRCh38, chr10:110,821,368, plus strand): 5'-GGGGAGAGCTGGTATCCCACTAACATGGAGGAGCTGGTGACAGTGGACGAGGTTGGGGAA[G>A]AAGAAGATTTTATCGTGGAACCAGACATCCCAGAGCTGGAAGAAATTGTGCCCATTGACC-3'
Protein context (NP_001127835.2, residues 907-927): ELVTVDEVGE[Glu917Lys]EDFIVEPDIP